The following is an entry in ClinVar:

ClinVar aggregate classification (germline): Pathogenic (1 of 4 stars; one submission).

Conditions:
Cone-rod dystrophy 6 (CORD6). Also called: RETINAL CONE DYSTROPHY 2; Cone dystrophy progressive. Identifiers: Orphanet 1872, MedGen C1866293, MONDO:0011143, OMIM 601777.
Leber congenital amaurosis 1 (LCA1). Also called: AMAUROSIS CONGENITA OF LEBER I; RETINAL BLINDNESS, CONGENITAL; Congenital absence of the rods and cones; Leber's congenital tapetoretinal degeneration; Leber's congenital tapetoretinal dysplasia. Identifiers: Orphanet 65, MedGen C2931258, MONDO:0008764, OMIM 204000.

Allele frequency attached by ClinVar (database versions not stated): gnomAD exomes 0.00001.

Submission:

Labcorp Genetics (formerly Invitae), Labcorp
Classification: Pathogenic for Leber congenital amaurosis 1; Cone-rod dystrophy 6. Last evaluated: 2023-09-29. Review status: criteria provided, single submitter. Criteria: Invitae Variant Classification Sherloc (09022015). Collection method: clinical testing. Allele origin: germline.
Comment: For these reasons, this variant has been classified as Pathogenic. This variant has not been reported in the literature in individuals affected with GUCY2D-related conditions. This variant is not present in population databases (gnomAD no frequency). This sequence change creates a premature translational stop signal (p.Leu594Thrfs*42) in the GUCY2D gene. It is expected to result in an absent or disrupted protein product. Loss-of-function variants in GUCY2D are known to be pathogenic (PMID: 10951519, 11328726).

Literature cited by the submitters: PubMed 10951519; PubMed 11328726.

NM_000180.4(GUCY2D):c.1780_1783del (p.Leu594fs)

Gene: GUCY2D (guanylate cyclase 2D, retinal; plus strand). Cytogenetic location: 17p13.1.
Variant type: Deletion.
Coding change: c.1780_1783del on transcript NM_000180.4 (MANE Select); coding-DNA positions 1780 to 1783, 4 bases deleted (CTCT; older notation c.1780_1783delCTCT).
Protein change: p.Leu594fs; shifts the reading frame from leucine 594.
Molecular consequence: frameshift variant.
Genome position (GRCh38, 1-based): chr17:8,012,174-8,012,177, CTCT deleted. VCF-style (leftmost placement, unchanged base first): chr17-8012173-CCTCT-C. GRCh37 (hg19) VCF-style: chr17-7915491-CCTCT-C.
Other names: short protein forms L594fs.
Identifiers: ClinVar variation 2942094 (VCV002942094.3), dbSNP rs2545423946, ClinGen allele CA2635949707.